The following is an entry in ClinVar:

NM_014795.4(ZEB2):c.845del (p.Phe282fs)

Gene: ZEB2 (zinc finger E-box binding homeobox 2; minus strand). Cytogenetic location: 2q22.3.
Variant type: Deletion.
Coding change: c.845del on transcript NM_014795.4 (MANE Select); coding-DNA position 845, one base deleted (T; older notation c.845delT).
Protein change: p.Phe282fs; shifts the reading frame from phenylalanine 282.
Molecular consequence: frameshift variant.
Genome position (GRCh38, 1-based): chr2:144,401,270, A deleted on the plus strand (T on the coding strand, the reverse complement: ZEB2 is on the minus strand); the first of 2 consecutive A bases (chr2:144,401,270-144,401,271); deleting either gives the same sequence. VCF-style (leftmost placement, unchanged base first): chr2-144401269-GA-G. GRCh37 (hg19) VCF-style: chr2-145158836-GA-G.
Other names: c.773del, p.Phe258fs (NM_001171653.2); short protein forms F258fs, F282fs.
Identifiers: ClinVar variation 3901858 (VCV003901858.3).

ClinVar aggregate classification (germline): Pathogenic (1 of 4 stars; one submission).

Conditions:
Mowat-Wilson syndrome (MOWS). Also called: Classic Mowat-Wilson Syndrome. Identifiers: Orphanet 2152, MedGen C1856113, MONDO:0009341, OMIM 235730.

Submission:

Victorian Clinical Genetics Services, Murdoch Childrens Research Institute
Classification: Pathogenic for Mowat-Wilson syndrome. Last evaluated: 2025-02-24. Review status: criteria provided, single submitter. Criteria: ACMG Guidelines, 2015. Collection method: clinical testing. Allele origin: germline. Affected: yes.
Comment: This variant is classified as Pathogenic. Evidence in support of pathogenic classification: Variant is predicted to cause nonsense-mediated decay (NMD) and loss of protein (premature termination codon is located at least 54 nucleotides upstream of the final exon-exon junction); Variant is absent from gnomAD (v2, v3 and v4); Other NMD-predicted variant(s) comparable to the one identified in this case have very strong previous evidence for pathogenicity (DECIPHER). Additional information: This variant is heterozygous; This gene is associated with autosomal dominant disease; This variant has no previous evidence of pathogenicity; No published segregation evidence has been identified for this variant; No published functional evidence has been identified for this variant; Loss of function is a known mechanism of disease in this gene and is associated with Mowat-Wilson syndrome (MIM#235730); Variants in this gene are known to have variable expressivity (PMID: 29300384); Inheritance information for this variant is not currently available in this individual.

Literature cited by the submitters: PubMed 29300384.